The following is an entry in ClinVar:

ClinVar aggregate classification (germline): Uncertain significance (1 of 4 stars; one submission).

Submission:

Labcorp Genetics (formerly Invitae), Labcorp
Classification: Uncertain significance. Last evaluated: 2023-10-03. Review status: criteria provided, single submitter. Criteria: Invitae Variant Classification Sherloc (09022015). Collection method: clinical testing. Allele origin: germline.
Comment: This sequence change replaces histidine, which is basic and polar, with glutamine, which is neutral and polar, at codon 232 of the TBX6 protein (p.His232Gln). This variant is not present in population databases (gnomAD no frequency). This variant has not been reported in the literature in individuals affected with TBX6-related conditions. Advanced modeling of protein sequence and biophysical properties (such as structural, functional, and spatial information, amino acid conservation, physicochemical variation, residue mobility, and thermodynamic stability) performed at Invitae indicates that this missense variant is not expected to disrupt TBX6 protein function. In summary, the available evidence is currently insufficient to determine the role of this variant in disease. Therefore, it has been classified as a Variant of Uncertain Significance.

NM_004608.4(TBX6):c.696C>G (p.His232Gln)

Gene: TBX6 (T-box transcription factor 6; minus strand). Cytogenetic location: 16p11.2.
Variant type: single nucleotide variant.
Coding change: c.696C>G on transcript NM_004608.4 (MANE Select); coding-DNA position 696, C replaced by G.
Protein change: p.His232Gln; replaces histidine 232 with glutamine.
Molecular consequence: missense variant.
Genome position (GRCh38, 1-based): chr16:30,088,765, G>C on the plus strand (C>G on the coding strand, the complement: TBX6 is on the minus strand). VCF-style: chr16-30088765-G-C. GRCh37 (hg19) VCF-style: chr16-30100086-G-C.
Other names: short protein forms H232Q.
Identifiers: ClinVar variation 2868410 (VCV002868410.3), dbSNP rs772950387, ClinGen allele CA8001840.